The following is an entry in ClinVar:

NM_001363118.2(SLC52A2):c.75_76insCCTGG (p.Ala26fs)

Gene: SLC52A2 (solute carrier family 52 member 2; plus strand).
Variant type: Insertion.
Coding change: c.75_76insCCTGG on transcript NM_001363118.2 (MANE Select); coding-DNA positions 75 to 76, CCTGG inserted.
Protein change: p.Ala26fs; shifts the reading frame from alanine 26.
Molecular consequence: frameshift variant.
Other names: c.75_76insCCTGG, p.Ala26fs (NM_001438496.1, NM_001438497.1, NM_001438498.1 and 10 more transcripts); short protein forms A26fs.
Identifiers: ClinVar variation 4686709 (VCV004686709.1).

ClinVar aggregate classification (germline): Likely pathogenic (1 of 4 stars; one submission).

Conditions:
Brown-Vialetto-van Laere syndrome 2. Also called: Riboflavin transporter deficiency type 2; SPINOCEREBELLAR ATAXIA WITH BLINDNESS AND DEAFNESS 2. Identifiers: Orphanet 572543, Orphanet 97229, MedGen C3553538, MONDO:0013867, OMIM 614707.

Submission:

Department of Medical and Molecular Genetics, Dongguan Institute of Pediatrics
Classification: Likely pathogenic for Brown-Vialetto-van Laere syndrome 2. Last evaluated: 2025-04-23. Review status: criteria provided, single submitter. Criteria: ACMG Guidelines, 2015. Collection method: clinical testing. Allele origin: germline. Inheritance: Autosomal recessive inheritance. Affected: yes.
Comment: The NM_001363118.2: c.75_76insCCTGG variant is a frameshift insertion in the SLC52A2 gene, predicted to result in a premature termination codon at position 26 (p.Ala26Profs*42). This null variant is expected to lead to nonsense-mediated mRNA decay or to produce a severely truncated, non-functional protein. Loss-of-function is a well-established disease mechanism for autosomal recessive Brown-Vialetto-Van Laere syndrome type 2 (PVS1). The variant is absent or present at an extremely low frequency in population databases (PM2_Supporting). In summary, this variant meets the following ACMG/AMP criteria: PVS1, PM2_Supporting. Based on this evidence, it is classified as Likely Pathogenic for Brown-Vialetto-Van Laere syndrome type 2.

Literature cited by the submitters: PubMed 24253200.